The following is an entry in ClinVar:

NM_000179.3(MSH6):c.1831A>C (p.Ser611Arg)

Gene: MSH6 (mutS homolog 6; plus strand). Cytogenetic location: 2p16.3.
Variant type: single nucleotide variant.
Coding change: c.1831A>C on transcript NM_000179.3 (MANE Select); coding-DNA position 1831, A replaced by C.
Protein change: p.Ser611Arg; replaces serine 611 with arginine.
Molecular consequence: missense variant.
Genome position (GRCh38, 1-based): chr2:47,799,814, A>C. VCF-style: chr2-47799814-A-C. GRCh37 (hg19) VCF-style: chr2-48026953-A-C.
Other names: c.1441A>C, p.Ser481Arg (NM_001281492.2); c.925A>C, p.Ser309Arg (NM_001281493.2, NM_001281494.2); short protein forms S481R, S309R, S611R.
Identifiers: ClinVar variation 953393 (VCV000953393.8), dbSNP rs1669379939, ClinGen allele CA346749544.

ClinVar aggregate classification (germline): Uncertain significance (1 of 4 stars; one submission).

Conditions:
Hereditary nonpolyposis colorectal neoplasms. Identifiers: MedGen C0009405, MeSH D003123.

Submission:

Labcorp Genetics (formerly Invitae), Labcorp
Classification: Uncertain significance for Hereditary nonpolyposis colorectal neoplasms. Last evaluated: 2022-10-25. Review status: criteria provided, single submitter. Criteria: Invitae Variant Classification Sherloc (09022015). Collection method: clinical testing. Allele origin: germline.
Comment: In summary, the available evidence is currently insufficient to determine the role of this variant in disease. Therefore, it has been classified as a Variant of Uncertain Significance. Advanced modeling of protein sequence and biophysical properties (such as structural, functional, and spatial information, amino acid conservation, physicochemical variation, residue mobility, and thermodynamic stability) performed at Invitae indicates that this missense variant is not expected to disrupt MSH6 protein function. ClinVar contains an entry for this variant (Variation ID: 953393). This variant has not been reported in the literature in individuals affected with MSH6-related conditions. This variant is not present in population databases (gnomAD no frequency). This sequence change replaces serine, which is neutral and polar, with arginine, which is basic and polar, at codon 611 of the MSH6 protein (p.Ser611Arg).